The following is an entry in ClinVar:

ClinVar aggregate classification (germline): Uncertain significance (1 of 4 stars; one submission).

Conditions:
Developmental and epileptic encephalopathy, 8 (DEE8). Also called: HYPEREKPLEXIA AND EPILEPSY. Identifiers: Orphanet 163985, Orphanet 2076, MedGen C1845102, MONDO:0010375, OMIM 300607.

Submission:

Labcorp Genetics (formerly Invitae), Labcorp
Classification: Uncertain significance for Developmental and epileptic encephalopathy, 8. Last evaluated: 2019-11-20. Review status: criteria provided, single submitter. Criteria: Invitae Variant Classification Sherloc (09022015). Collection method: clinical testing. Allele origin: germline.
Comment: This sequence change replaces alanine with valine at codon 391 of the ARHGEF9 protein (p.Ala391Val). The alanine residue is highly conserved and there is a small physicochemical difference between alanine and valine. In summary, the available evidence is currently insufficient to determine the role of this variant in disease. Therefore, it has been classified as a Variant of Uncertain Significance. Algorithms developed to predict the effect of missense changes on protein structure and function (SIFT, PolyPhen-2, Align-GVGD) all suggest that this variant is likely to be disruptive, but these predictions have not been confirmed by published functional studies and their clinical significance is uncertain. This variant has not been reported in the literature in individuals with ARHGEF9-related conditions. This variant is not present in population databases (ExAC no frequency).

NM_001353921.2(ARHGEF9):c.1193C>T (p.Ala398Val)

Gene: ARHGEF9 (Cdc42 guanine nucleotide exchange factor 9; minus strand). Cytogenetic location: Xq11.1.
Variant type: single nucleotide variant.
Coding change: c.1193C>T on transcript NM_001353921.2 (MANE Select); coding-DNA position 1193, C replaced by T.
Protein change: p.Ala398Val; replaces alanine 398 with valine.
Molecular consequence: missense variant. On other transcripts: intron variant (2).
Genome position (GRCh38, 1-based): chrX:63,655,622, G>A on the plus strand (C>T on the coding strand, the complement: ARHGEF9 is on the minus strand). VCF-style: chrX-63655622-G-A. GRCh37 (hg19) VCF-style: chrX-62875502-G-A.
Other names: c.1013C>T, p.Ala338Val (NM_001173479.2); c.866C>T, p.Ala289Val (NM_001173480.2, NM_001369042.1); c.1109C>T, p.Ala370Val (NM_001330495.2, NM_001369033.1, NM_001369034.1 and 4 more transcripts); c.1061C>T, p.Ala354Val (NM_001353922.2); c.1211C>T, p.Ala404Val (NM_001353923.1); c.992C>T, p.Ala331Val (NM_001353924.2, NM_001353926.2, NM_001369039.1 and 1 more transcripts); c.977C>T, p.Ala326Val (NM_001353927.2, NM_001369041.1); c.1040C>T, p.Ala347Val (NM_001353928.2); and 3 more; short protein forms A326V, A391V, A404V, A289V, A331V, A347V, A370V, A398V.
Identifiers: ClinVar variation 853669 (VCV000853669.10), dbSNP rs2048826532, ClinGen allele CA413404500.
Genomic context (GRCh38, chrX:63,655,622, plus strand): 5'-TCCAGCTTCTTGGCAAAGAACAGATGTATCTCCTCAGTCTCCTTGTTGTGAAGCTTAAAG[G>A]CATTCTTCATGCTGACATTGAAGTCATCATCTCTGCCATCCTCAATGTCAACTACCTCAT-3'
Protein context (NP_001340850.1, residues 388-408): DDDFNVSMKN[Ala398Val]FKLHNKETEE